The following is an entry in ClinVar:

ClinVar aggregate classification (germline): Uncertain significance (1 of 4 stars; one submission).

Conditions:
Epilepsy, familial adult myoclonic, 5 (EPEO5). Also called: CORTICAL MYOCLONIC TREMOR WITH EPILEPSY, FAMILIAL, 5. Identifiers: Orphanet 86814, MedGen C3809374, MONDO:0014167, OMIM 615400.

Submission:

Labcorp Genetics (formerly Invitae), Labcorp
Classification: Uncertain significance for Epilepsy, familial adult myoclonic, 5. Last evaluated: 2023-05-19. Review status: criteria provided, single submitter. Criteria: Invitae Variant Classification Sherloc (09022015). Collection method: clinical testing. Allele origin: germline.
Comment: ClinVar contains an entry for this variant (Variation ID: 1447797). This variant has not been reported in the literature in individuals affected with CNTN2-related conditions. This variant is not present in population databases (gnomAD no frequency). This sequence change replaces tyrosine, which is neutral and polar, with asparagine, which is neutral and polar, at codon 641 of the CNTN2 protein (p.Tyr641Asn). Advanced modeling of protein sequence and biophysical properties (such as structural, functional, and spatial information, amino acid conservation, physicochemical variation, residue mobility, and thermodynamic stability) performed at Invitae indicates that this missense variant is expected to disrupt CNTN2 protein function. In summary, the available evidence is currently insufficient to determine the role of this variant in disease. Therefore, it has been classified as a Variant of Uncertain Significance.

NM_005076.5(CNTN2):c.1921T>A (p.Tyr641Asn)

Gene: CNTN2 (contactin 2; plus strand). Cytogenetic location: 1q32.1.
Variant type: single nucleotide variant.
Coding change: c.1921T>A on transcript NM_005076.5 (MANE Select); coding-DNA position 1921, T replaced by A.
Protein change: p.Tyr641Asn; replaces tyrosine 641 with asparagine.
Molecular consequence: missense variant. On other transcripts: non-coding transcript variant (1).
Genome position (GRCh38, 1-based): chr1:205,066,545, T>A. VCF-style: chr1-205066545-T-A. GRCh37 (hg19) VCF-style: chr1-205035673-T-A.
Other names: c.1921T>A, p.Tyr641Asn (NM_001346083.2); short protein forms Y641N.
Identifiers: ClinVar variation 1447797 (VCV001447797.8), dbSNP rs2151196059, ClinGen allele CA344376397.